The following is an entry in ClinVar:

ClinVar aggregate classification (germline): Uncertain significance (1 of 4 stars; one submission).

Conditions:
Familial cancer of breast. Also called: Hereditary breast cancer; BREAST CANCER, FAMILIAL; hereditary breast carcinoma. Identifiers: Orphanet 227535, MedGen C0346153, MONDO:0016419, OMIM 114480. Disease mechanism: loss of function.

Submission:

Labcorp Genetics (formerly Invitae), Labcorp
Classification: Uncertain significance for Familial cancer of breast. Last evaluated: 2024-11-11. Review status: criteria provided, single submitter. Criteria: Invitae Variant Classification Sherloc (09022015). Collection method: clinical testing. Allele origin: germline.
Comment: This sequence change replaces lysine, which is basic and polar, with arginine, which is basic and polar, at codon 346 of the PALB2 protein (p.Lys346Arg). This variant is not present in population databases (gnomAD no frequency). This variant has not been reported in the literature in individuals affected with PALB2-related conditions. An algorithm developed to predict the effect of missense changes on protein structure and function (PolyPhen-2) suggests that this variant is likely to be disruptive. In summary, the available evidence is currently insufficient to determine the role of this variant in disease. Therefore, it has been classified as a Variant of Uncertain Significance.

NM_024675.4(PALB2):c.1037A>G (p.Lys346Arg)

Gene: PALB2 (partner and localizer of BRCA2; minus strand). Cytogenetic location: 16p12.2.
Variant type: single nucleotide variant.
Coding change: c.1037A>G on transcript NM_024675.4 (MANE Select); coding-DNA position 1037, A replaced by G.
Protein change: p.Lys346Arg; replaces lysine 346 with arginine.
Molecular consequence: missense variant. On other transcripts: intron variant (3).
Genome position (GRCh38, 1-based): chr16:23,635,509, T>C on the plus strand (A>G on the coding strand, the complement: PALB2 is on the minus strand). VCF-style: chr16-23635509-T-C. GRCh37 (hg19) VCF-style: chr16-23646830-T-C.
Other names: c.977A>G, p.Lys326Arg (NM_001407296.1); c.1037A>G, p.Lys346Arg (NM_001407297.1, NM_001407298.1, NM_001407299.1 and 3 more transcripts); c.152A>G, p.Lys51Arg (NM_001407304.1, NM_001407305.1, NM_001407306.1 and 5 more transcripts); c.48+5601A>G (NM_001407314.1); c.-104-5040A>G (NM_001407313.1, NM_001407312.1); short protein forms K346R, K326R, K51R.
Identifiers: ClinVar variation 3724739 (VCV003724739.2).